The following is an entry in ClinVar:

ClinVar aggregate classification (germline): Benign. Review status: criteria provided, single submitter (1 of 4 stars). 2 submissions from 2 submitters: Benign (1). 1 of the submissions does not count toward it. Last evaluated 2022-05-04.

Conditions:
Ovarian neoplasm. Also called: Ovarian tumor; Neoplasm of ovary; Ovarian Neoplasms. Identifiers: MedGen C0919267, MeSH D010051, MONDO:0021068, HP:0100615.

Submissions (2):

Mendelics
Classification: Benign. Last evaluated: 2022-05-04. Review status: criteria provided, single submitter. Criteria: Mendelics Assertion Criteria 2019. Collection method: clinical testing. Allele origin: germline.

Department of Zoology Govt. MVM College
Classification: Likely pathogenic for Neoplasm of ovary. Review status: no assertion criteria provided. Collection method: not provided. Allele origin: unknown. Not counted in ClinVar's aggregate classification.
Comment: KM276947
ClinVar note: Converted during submission from probable-pathogenic to Likely pathogenic.

NC_012920.1(MT-CYB):m.15328A>G

Gene: MT-CYB (mitochondrially encoded cytochrome b; plus strand).
Variant type: single nucleotide variant.
Genome position: chrM-15328-A-G.
Identifiers: ClinVar variation 143881 (VCV000143881.3), dbSNP rs527236178, ClinGen allele CA170524.